The following is an entry in ClinVar:

NM_022575.4(VPS16):c.1759C>T (p.Arg587Ter)

Genes: PTPRA (protein tyrosine phosphatase receptor type A; plus strand), VPS16 (VPS16 core subunit of CORVET and HOPS complexes; plus strand). Cytogenetic location: 20p13.
Variant type: single nucleotide variant.
Coding change: c.1759C>T on transcript NM_022575.4 (MANE Select); coding-DNA position 1759, C replaced by T.
Protein change: p.Arg587Ter; replaces arginine 587 with a stop codon.
Molecular consequence: nonsense. On other transcripts: 5 prime UTR variant (1).
Genome position (GRCh38, 1-based): chr20:2,864,403, C>T. VCF-style: chr20-2864403-C-T. GRCh37 (hg19) VCF-style: chr20-2845049-C-T.
Other names: c.-544C>T (NM_002836.4); c.1327C>T, p.Arg443Ter (NM_080413.3); short protein forms R443*, R587*.
Identifiers: ClinVar variation 4852184 (VCV004852184.3).

ClinVar aggregate classification (germline): Pathogenic/Likely pathogenic. Review status: criteria provided, multiple submitters, no conflicts (2 of 4 stars). 2 submissions from 2 submitters: Pathogenic (1); Likely pathogenic (1). Last evaluated 2026-05-01.

Conditions:
Dystonia 30. Identifiers: MedGen C5543312, MONDO:0025691, OMIM 619291.

gnomAD v4.1: 2 of 1,614,136 alleles (0.00012%); highest among the groups gnomAD compares: East Asian, 0.0022%; no homozygotes.

Submissions (2):

CeGaT Center for Human Genetics Tuebingen
Classification: Pathogenic. Last evaluated: 2026-05-01. Review status: criteria provided, single submitter. Criteria: CeGaT Center For Human Genetics Tuebingen Variant Classification Criteria Version 2. Collection method: clinical testing. Allele origin: germline. Affected: yes. Observed: 1 variant allele.
Comment: VPS16: PVS1, PM2

Variantyx, Inc.
Classification: Likely pathogenic for Dystonia 30. Last evaluated: 2025-10-06. Review status: criteria provided, single submitter. Criteria: Variantyx Assertion Criteria 2022. Collection method: clinical testing. Allele origin: germline. Inheritance: Autosomal dominant inheritance. Affected: yes.
Comment: This is a nonsense variant in the VPS16 gene (OMIM: 608550). Pathogenic variants in this gene have been associated with autosomal dominant dystonia 30. This variant introduces a premature termination codon in exon 18 out of 24 and is expected to result in loss of function, which is a known disease mechanism for VPS16 in this disorder (PMID: 32808683) (PVS1). This variant has a 0.0025% maximum allele frequency in non-founder control populations (PM2). Based on the current evidence, this variant is classified as likely pathogenic for autosomal dominant dystonia 30. Inheritance from an unaffected parent or a parent with unknown affected status has been reported, consistent with incomplete penetrance (PMID: 32808683).

Literature cited by the submitters: PubMed 32808683 (cited by Variantyx, Inc.); PubMed 34901436 (cited by Variantyx, Inc.).